The following is an entry in ClinVar:

NM_003978.5(PSTPIP1):c.832C>T (p.Pro278Ser)

Gene: PSTPIP1 (proline-serine-threonine phosphatase interacting protein 1; plus strand). Cytogenetic location: 15q24.3.
Variant type: single nucleotide variant.
Coding change: c.832C>T on transcript NM_003978.5 (MANE Select); coding-DNA position 832, C replaced by T.
Protein change: p.Pro278Ser; replaces proline 278 with serine.
Molecular consequence: missense variant.
Genome position (GRCh38, 1-based): chr15:77,032,388, C>T. VCF-style: chr15-77032388-C-T. GRCh37 (hg19) VCF-style: chr15-77324729-C-T.
Other names: c.832C>T, p.Pro278Ser (NM_001321135.2, NM_001411086.1); c.805C>T, p.Pro269Ser (NM_001321136.2); c.1027C>T, p.Pro343Ser (NM_001321137.1); short protein forms P269S, P278S, P343S.
Identifiers: ClinVar variation 4760139 (VCV004760139.1).
Genomic context (GRCh38, chr15:77,032,388, plus strand): 5'-GGCTGCAGCATAGACGCCGACATCGACAGTTTCATCCAGGCCAAGAGCACGGGCACAGAG[C>T]CCCCCGGTGAGGTCCGGCTTGCGGACAGCGCAGCCTCTAGGTGCATTGAGCCCCTGGGAA-3'
Protein context (NP_003969.2, residues 268-288): FIQAKSTGTE[Pro278Ser]PAPVPYQNYY

ClinVar aggregate classification (germline): Uncertain significance (1 of 4 stars; one submission).

Conditions:
Pyogenic arthritis-pyoderma gangrenosum-acne syndrome (PAPA). Also called: FAMILIAL RECURRENT ARTHRITIS; PAPA SYNDROME. Identifiers: Orphanet 69126, MedGen C1858361, MONDO:0011462, OMIM 604416.

Submission:

Labcorp Genetics (formerly Invitae), Labcorp
Classification: Uncertain significance for Pyogenic arthritis-pyoderma gangrenosum-acne syndrome. Last evaluated: 2026-01-27. Review status: criteria provided, single submitter. Criteria: Invitae Variant Classification Sherloc (09022015). Collection method: clinical testing. Allele origin: germline.
Comment: This sequence change replaces proline, which is neutral and non-polar, with serine, which is neutral and polar, at codon 278 of the PSTPIP1 protein (p.Pro278Ser). This variant is not present in population databases (gnomAD no frequency). This variant has not been reported in the literature in individuals affected with PSTPIP1-related conditions. Invitae Evidence Modeling of protein sequence and biophysical properties (such as structural, functional, and spatial information, amino acid conservation, physicochemical variation, residue mobility, and thermodynamic stability) indicates that this missense variant is not expected to disrupt PSTPIP1 protein function with a negative predictive value of 80%. In summary, the available evidence is currently insufficient to determine the role of this variant in disease. Therefore, it has been classified as a Variant of Uncertain Significance.